The following is an entry in ClinVar:

ClinVar aggregate classification (germline): Likely pathogenic (1 of 4 stars; one submission).

Conditions:
Inborn genetic diseases. Identifiers: MedGen C0950123, MeSH D030342.

Submission:

Ambry Genetics
Classification: Likely pathogenic for Inborn genetic diseases. Last evaluated: 2022-10-07. Review status: criteria provided, single submitter. Criteria: Ambry Variant Classification Scheme 2023. Collection method: clinical testing. Allele origin: germline.
Comment: The c.119_120delCT (p.S40*) alteration, located in exon 2 of the ERBB4 gene, consists of a deletion of 2 nucleotides from position 119 to 120, causing the serine (S) at amino acid position 40 to be replaced by a stop codon. The predicted stop codon occurs in the 5' end of the ERBB4 gene. Premature termination codons in the 5&rsquo; end of a gene have been reported to escape nonsense-mediated mRNA decay and/or lead to re-initiation (Rivas, 2015; Lindeboom, 2016; Rhee, 2017). Direct evidence for this alteration is unavailable; however, premature termination codons are typically deleterious in nature. This variant was not reported in population-based cohorts in the Genome Aggregation Database (gnomAD). Based on the available evidence, this alteration is classified as likely pathogenic.

Literature cited by the submitters: PubMed 25954003; PubMed 27618451; PubMed 28490743.

NM_005235.3(ERBB4):c.119_120del (p.Leu39_Ser40insTer)

Gene: ERBB4 (erb-b2 receptor tyrosine kinase 4; minus strand). Cytogenetic location: 2q34.
Variant type: Microsatellite.
Coding change: c.119_120del on transcript NM_005235.3 (MANE Select); coding-DNA positions 119 to 120, 2 bases deleted (CT; older notation c.119_120delCT).
Protein change: p.Leu39_Ser40insTer.
Molecular consequence: nonsense. On other transcripts: frameshift variant (1).
Genome position (GRCh38, 1-based): chr2:212,124,866-212,124,867, AG deleted on the plus strand (CT on the coding strand, the reverse complement: ERBB4 is on the minus strand); deleting any 2 consecutive bases within chr2:212,124,866-212,124,875 gives the same sequence; the c. name uses the placement nearest the transcript's 3' end. VCF-style (leftmost placement, unchanged base first): chr2-212124865-CAG-C. GRCh37 (hg19) VCF-style: chr2-212989590-CAG-C.
Other names: c.111_112CT[4], p.Ser40Terfs (NM_001042599.2).
Identifiers: ClinVar variation 520885 (VCV000520885.5), dbSNP rs1553563398, ClinGen allele CA658796157.